The following is an entry in ClinVar:

ClinVar aggregate classification (germline): Benign/Likely benign. Review status: criteria provided, multiple submitters, no conflicts (2 of 4 stars). 9 submissions from 9 submitters: Benign (8); Likely benign (1). Last evaluated 2026-02-01.

Conditions:
Joubert syndrome 17 (JBTS17). Identifiers: Orphanet 475, MedGen C3553264, MONDO:0013824, OMIM 614615.
Orofaciodigital syndrome type 6 (OFD6). Also called: OROFACIODIGITAL SYNDROME VI; OFDS VI; POLYDACTYLY, CLEFT LIP/PALATE OR LINGUAL LUMP, AND PSYCHOMOTOR RETARDATION; VARADI SYNDROME; VARADI-PAPP SYNDROME; Oral-facial-digital syndrome type 6. Identifiers: Orphanet 2754, MedGen C2745997, MONDO:0010176, OMIM 277170.

Allele frequency attached by ClinVar (database versions not stated): ESP Exome Variant Server 0.00023; gnomAD exomes 0.00209 and 0.00819; gnomAD 0.00353 and 0.00383; TOPMed 0.00651; ExAC 0.00653; 1000 Genomes Project 0.00978; 1000 Genomes Project 30x 0.00999.
gnomAD v4.1: 3,625 of 1,614,124 alleles (0.22%); highest among the groups gnomAD compares: Admixed American, 4.1%; 78 homozygotes.

Submissions (9):

Labcorp Genetics (formerly Invitae), Labcorp
Classification: Benign. Last evaluated: 2026-02-01. Review status: criteria provided, single submitter. Criteria: Invitae Variant Classification Sherloc (09022015). Collection method: clinical testing. Allele origin: germline.

Mayo Clinic Laboratories, Mayo Clinic
Classification: Likely benign. Last evaluated: 2023-11-23. Review status: criteria provided, single submitter. Criteria: ACMG Guidelines, 2015. Collection method: clinical testing. Allele origin: germline. Observed: 2 variant alleles.
Comment: BS2, BP4, BP7

Fulgent Genetics
Classification: Benign for Orofaciodigital syndrome type 6; Joubert syndrome 17. Last evaluated: 2021-09-28. Review status: criteria provided, single submitter. Criteria: ACMG Guidelines, 2015. Collection method: clinical testing. Allele origin: unknown.

Illumina Laboratory Services, Illumina
Classification: Benign for Joubert syndrome 17. Last evaluated: 2018-01-12. Review status: criteria provided, single submitter. Criteria: ICSL Variant Classification Criteria 13 December 2019. Collection method: clinical testing. Allele origin: germline.
Comment: This variant was observed in the ICSL laboratory as part of a predisposition screen in an ostensibly healthy population. It had not been previously curated by ICSL or reported in the Human Gene Mutation Database (HGMD: prior to June 1st, 2018), and was therefore a candidate for classification through an automated scoring system. Utilizing variant allele frequency, disease prevalence and penetrance estimates, and inheritance mode, an automated score was calculated to assess if this variant is too frequent to cause the disease. Based on the score and internal cut-off values, a variant classified as benign is not then subjected to further curation. The score for this variant resulted in a classification of benign for this disease.

GeneDx
Classification: Benign. Last evaluated: 2016-11-29. Review status: criteria provided, single submitter. Criteria: GeneDx Variant Classification (06012015). Collection method: clinical testing. Allele origin: germline. Affected: yes.
Comment: This variant is considered likely benign or benign based on one or more of the following criteria: it is a conservative change, it occurs at a poorly conserved position in the protein, it is predicted to be benign by multiple in silico algorithms, and/or has population frequency not consistent with disease.

Genetic Services Laboratory, University of Chicago
Classification: Benign. Last evaluated: 2016-09-23. Review status: criteria provided, single submitter. Criteria: ACMG Guidelines, 2015. Collection method: clinical testing. Allele origin: germline. Affected: no.

Eurofins Ntd Llc (ga)
Classification: Benign. Last evaluated: 2014-08-21. Review status: criteria provided, single submitter. Criteria: EGL Classification Definitions 2015. Collection method: clinical testing. Allele origin: germline. Observed: 1 variant allele, 1 heterozygote.

Breakthrough Genomics
Classification: Benign. Review status: criteria provided, single submitter. Criteria: ACMG Guidelines, 2015. Collection method: not provided. Allele origin: germline. Inheritance: Autosomal recessive inheritance. Affected: yes.

PreventionGenetics, part of Exact Sciences
Classification: Benign. Review status: criteria provided, single submitter. Criteria: ACMG Guidelines, 2015. Collection method: clinical testing. Allele origin: germline.

NM_001384732.1(CPLANE1):c.9138C>G (p.Pro3046=)

Gene: CPLANE1 (ciliogenesis and planar polarity effector complex subunit 1; minus strand). Cytogenetic location: 5p13.2.
Variant type: single nucleotide variant.
Coding change: c.9138C>G on transcript NM_001384732.1 (MANE Select); coding-DNA position 9138, C replaced by G.
Protein change: p.Pro3046=; no amino-acid change (proline 3046 retained).
Molecular consequence: synonymous variant.
Genome position (GRCh38, 1-based): chr5:37,121,664, G>C on the plus strand (C>G on the coding strand, the complement: CPLANE1 is on the minus strand). VCF-style: chr5-37121664-G-C. GRCh37 (hg19) VCF-style: chr5-37121766-G-C.
Other names: p.Pro2992=; c.8976C>G, p.Pro2992= (NM_023073.4).
Identifiers: ClinVar variation 158059 (VCV000158059.27), dbSNP rs16903511, ClinGen allele CA171471.